The following is an entry in ClinVar:

ClinVar aggregate classification (germline): Uncertain significance (1 of 4 stars; one submission).

Allele frequency attached by ClinVar (database versions not stated): TOPMed 0.00001; gnomAD exomes 0.00003.
gnomAD v4.1: 45 of 1,610,298 alleles (0.0028%); highest among the groups gnomAD compares: Non-Finnish European, 0.0038%; no homozygotes.

Submission:

Labcorp Genetics (formerly Invitae), Labcorp
Classification: Uncertain significance. Last evaluated: 2022-07-15. Review status: criteria provided, single submitter. Criteria: Invitae Variant Classification Sherloc (09022015). Collection method: clinical testing. Allele origin: germline.
Comment: This sequence change replaces arginine, which is basic and polar, with glycine, which is neutral and non-polar, at codon 411 of the PLOD3 protein (p.Arg411Gly). The frequency data for this variant in the population databases is considered unreliable, as metrics indicate poor data quality at this position in the gnomAD database. This variant has not been reported in the literature in individuals affected with PLOD3-related conditions. Algorithms developed to predict the effect of missense changes on protein structure and function are either unavailable or do not agree on the potential impact of this missense change (SIFT: "Deleterious"; PolyPhen-2: "Benign"; Align-GVGD: "Class C45"). Algorithms developed to predict the effect of sequence changes on RNA splicing suggest that this variant may disrupt the consensus splice site. In summary, the available evidence is currently insufficient to determine the role of this variant in disease. Therefore, it has been classified as a Variant of Uncertain Significance.

NM_001084.5(PLOD3):c.1231A>G (p.Arg411Gly)

Gene: PLOD3 (procollagen-lysine,2-oxoglutarate 5-dioxygenase 3; minus strand). Cytogenetic location: 7q22.1.
Variant type: single nucleotide variant.
Coding change: c.1231A>G on transcript NM_001084.5 (MANE Select); coding-DNA position 1231, A replaced by G.
Protein change: p.Arg411Gly; replaces arginine 411 with glycine.
Molecular consequence: missense variant.
Genome position (GRCh38, 1-based): chr7:101,211,847, T>C on the plus strand (A>G on the coding strand, the complement: PLOD3 is on the minus strand). VCF-style: chr7-101211847-T-C. GRCh37 (hg19) VCF-style: chr7-100855128-T-C.
Other names: short protein forms R411G.
Identifiers: ClinVar variation 1966490 (VCV001966490.2), dbSNP rs750765078, ClinGen allele CA163350691.
Genomic context (GRCh38, chr7:101,211,847, plus strand): 5'-GTGGGGTTCCCGGGGCCTGTTGGGGTGCCCTCCGGCTGCGGGGAGAGGGGGTAAGCCACC[T>C]GTTCTCCTCAATGAGGATACGCAGGGTCTGCAGGTTGGTGAGGACAGCGTCGGCGTCCAG-3'
Protein context (NP_001075.1, residues 401-421): QTLRILIEEN[Arg411Gly]KVIAPMLSRH